The following is an entry in ClinVar:

ClinVar aggregate classification (germline): Pathogenic. Review status: criteria provided, multiple submitters, no conflicts (2 of 4 stars). 2 submissions from 2 submitters: Pathogenic (2). Last evaluated 2018-09-27.

Conditions:
Cardiac-urogenital syndrome (CUGS). Also called: MYRF-Related Cardiac Urogenital Syndrome. Identifiers: Orphanet 647811, MedGen C4748946, MONDO:0032653, OMIM 618280.

Submissions (2):

GeneDx
Classification: Pathogenic. Last evaluated: 2018-09-27. Review status: criteria provided, single submitter. Criteria: GeneDx Variant Classification (06012015). Collection method: clinical testing. Allele origin: germline. Affected: yes.
Comment: The W939X variant in the MYRF gene has not been reported previously as a pathogenic variant nor as a benign variant, to our knowledge. This variant is predicted to cause loss of normal protein function either through protein truncation or nonsense-mediated mRNA decay. The W939X variant is not observed in large population cohorts (Lek et al., 2016). We interpret W939X as a pathogenic variant.

Juno Genomics, Hangzhou Juno Genomics, Inc
Classification: Pathogenic for Cardiac-urogenital syndrome. Review status: criteria provided, single submitter. Criteria: ACMG Guidelines, 2015. Collection method: clinical testing. Allele origin: germline. Affected: yes.
Comment: Absent from controls (or at extremely low frequency if recessive) in Genome Aggregation Database, Exome Sequencing Project, 1000 Genomes Project, or Exome Aggregation Consortium.;Null variant in a gene where loss of function (LOF) is a known mechanism of disease.;Assumed de novo, but without confirmation of paternity and maternity.

NM_001127392.3(MYRF):c.2817G>A (p.Trp939Ter)

Gene: MYRF (myelin regulatory factor; plus strand). Cytogenetic location: 11q12.2.
Variant type: single nucleotide variant.
Coding change: c.2817G>A on transcript NM_001127392.3 (MANE Select); coding-DNA position 2817, G replaced by A.
Protein change: p.Trp939Ter; replaces tryptophan 939 with a stop codon.
Molecular consequence: nonsense.
Genome position (GRCh38, 1-based): chr11:61,781,625, G>A. VCF-style: chr11-61781625-G-A. GRCh37 (hg19) VCF-style: chr11-61549097-G-A.
Other names: c.2712G>A, p.Trp904Ter (NM_013279.4); short protein forms W939*, W904*.
Identifiers: ClinVar variation 620313 (VCV000620313.3), dbSNP rs1367545625, ClinGen allele CA380861404.